The following is an entry in ClinVar:

ClinVar aggregate classification (germline): Benign/Likely benign. Review status: criteria provided, multiple submitters, no conflicts (2 of 4 stars). 11 submissions from 9 submitters: Benign (3); Likely benign (5). 3 of the submissions do not count toward it. Last evaluated 2026-01-31.

Conditions:
SCN9A-related disorder. Also called: SCN9A-related disorders; SCN9A-related condition.
Paroxysmal extreme pain disorder (PEXPD). Also called: SCN9A Paroxysmal Extreme Pain Disorder (SCN9A-PEPD); PAIN, SUBMANDIBULAR, OCULAR, AND RECTAL, WITH FLUSHING; RECTAL PAIN, FAMILIAL. Identifiers: Orphanet 46348, MedGen C1833661, MONDO:0008179, OMIM 167400.
Primary erythromelalgia. Also called: SCN9A Erythromelalgia (SCN9A-EM); primary erythermalgia. Identifiers: Orphanet 306577, Orphanet 90026, MedGen C0014805, MONDO:0007571, OMIM 133020.
Neuropathy, hereditary sensory and autonomic, type 2A (HSAN2A). Also called: ACROOSTEOLYSIS, GIACCAI TYPE; ACROOSTEOLYSIS, NEUROGENIC; HSAN IIA; WNK1-Related HSAN2 (HSAN2A); MORVAN DISEASE; NEUROPATHY, CONGENITAL SENSORY. Identifiers: Orphanet 970, MedGen C2752089, MONDO:0024309, OMIM 201300.
Channelopathy-associated congenital insensitivity to pain, autosomal recessive. Also called: Insensitivity to pain, channelopathy-associated; ASYMBOLIA FOR PAIN; CONGENITAL ANALGESIA, AUTOSOMAL RECESSIVE. Identifiers: Orphanet 88642, Orphanet 970, MedGen C1855739, MONDO:0009459, OMIM 243000.
Generalized epilepsy with febrile seizures plus, type 7 (GEFSP7). Also called: GEFS+, TYPE 7. Identifiers: Orphanet 36387, MedGen C2751778, MONDO:0013470, OMIM 613863.

Allele frequency attached by ClinVar (database versions not stated): gnomAD exomes 0.00040 and 0.00099; ExAC 0.00132; ESP Exome Variant Server 0.00421; gnomAD 0.00440 and 0.00460; TOPMed 0.00475; 1000 Genomes Project 30x 0.00515; 1000 Genomes Project 0.00559.
gnomAD v4.1: 1,286 of 1,608,722 alleles (0.08%); highest among the groups gnomAD compares: African/African-American, 1.5%; 11 homozygotes.

Submissions (11):

Labcorp Genetics (formerly Invitae), Labcorp
Classification: Benign for Neuropathy, hereditary sensory and autonomic, type 2A; Generalized epilepsy with febrile seizures plus, type 7. Last evaluated: 2026-01-31. Review status: criteria provided, single submitter. Criteria: Invitae Variant Classification Sherloc (09022015). Collection method: clinical testing. Allele origin: germline.

ARUP Laboratories, Molecular Genetics and Genomics, ARUP Laboratories
Classification: Benign. Last evaluated: 2025-07-17. Review status: criteria provided, single submitter. Criteria: ARUP Molecular Germline Variant Investigation Process 2024. Collection method: clinical testing. Allele origin: germline.

Blueprint Genetics
Classification: Likely benign. Last evaluated: 2024-11-13. Review status: criteria provided, single submitter. Criteria: ACMG Guidelines, 2015. Collection method: clinical testing. Allele origin: germline.

Fulgent Genetics
Classification: Likely benign for Primary erythromelalgia; Paroxysmal extreme pain disorder; Neuropathy, hereditary sensory and autonomic, type 2A; Channelopathy-associated congenital insensitivity to pain, autosomal recessive. Last evaluated: 2022-03-08. Review status: criteria provided, single submitter. Criteria: ACMG Guidelines, 2015. Collection method: clinical testing. Allele origin: unknown.

GeneDx
Classification: Benign. Last evaluated: 2019-05-30. Review status: criteria provided, single submitter. Criteria: GeneDx Variant Classification Process June 2021. Collection method: clinical testing. Allele origin: germline. Affected: yes.

Illumina Laboratory Services, Illumina
Classification: Likely benign for Channelopathy-associated congenital insensitivity to pain, autosomal recessive. Last evaluated: 2017-04-27. Review status: criteria provided, single submitter. Criteria: ICSL Variant Classification Criteria 13 December 2019. Collection method: clinical testing. Allele origin: germline.
Comment: This variant was observed as part of a predisposition screen in an ostensibly healthy population. A literature search was performed for the gene, cDNA change, and amino acid change (where applicable). No publications were found based on this search. Allele frequency data from public databases allowed determination this variant is unlikely to cause disease. Therefore, this variant is classified as likely benign.

Illumina Laboratory Services, Illumina
Classification: Likely benign for Paroxysmal extreme pain disorder. Last evaluated: 2017-04-27. Review status: criteria provided, single submitter. Criteria: ICSL Variant Classification Criteria 13 December 2019. Collection method: clinical testing. Allele origin: germline.
Comment: the same text as in the submission from Illumina Laboratory Services, Illumina above.

Illumina Laboratory Services, Illumina
Classification: Likely benign for Primary erythromelalgia. Last evaluated: 2017-04-27. Review status: criteria provided, single submitter. Criteria: ICSL Variant Classification Criteria 13 December 2019. Collection method: clinical testing. Allele origin: germline.
Comment: the same text as in the submission from Illumina Laboratory Services, Illumina above.

PreventionGenetics, part of Exact Sciences
Classification: Benign for SCN9A-related condition. Last evaluated: 2019-09-04. Review status: no assertion criteria provided. Collection method: clinical testing. Allele origin: germline. Not counted in ClinVar's aggregate classification.
Comment: This variant is classified as benign based on ACMG/AMP sequence variant interpretation guidelines (Richards et al. 2015 PMID: 25741868, with internal and published modifications).

Clinical Genetics, Academic Medical Center
Classification: Likely benign. Review status: no assertion criteria provided. Collection method: clinical testing. Allele origin: germline. Affected: yes. Study: VKGL Data-share Consensus. Not counted in ClinVar's aggregate classification.

Joint Genome Diagnostic Labs from Nijmegen and Maastricht, Radboudumc and MUMC+
Classification: Likely benign. Review status: no assertion criteria provided. Collection method: clinical testing. Allele origin: germline. Affected: yes. Study: VKGL Data-share Consensus. Not counted in ClinVar's aggregate classification.

NM_001365536.1(SCN9A):c.2517+6C>T

Genes: SCN1A-AS1 (SCN1A and SCN9A antisense RNA 1; plus strand), SCN9A (sodium voltage-gated channel alpha subunit 9; minus strand). Cytogenetic location: 2q24.3.
Variant type: single nucleotide variant.
Coding change: c.2517+6C>T on transcript NM_001365536.1 (MANE Select); 6 bases into the intron after coding-DNA position 2517, C replaced by T.
Molecular consequence: intron variant.
Genome position (GRCh38, 1-based): chr2:166,278,134, G>A on the plus strand (C>T on the coding strand, the complement: SCN9A is on the minus strand). VCF-style: chr2-166278134-G-A. GRCh37 (hg19) VCF-style: chr2-167134644-G-A.
Other names: c.2484+6C>T (NM_002977.4).
Identifiers: ClinVar variation 331980 (VCV000331980.31), dbSNP rs145316463, ClinGen allele CA1944260.